The following is an entry in ClinVar:

NM_178140.4(PDZD2):c.3180G>A (p.Thr1060=)

Gene: PDZD2 (PDZ domain containing 2; plus strand). Cytogenetic location: 5p13.3.
Variant type: single nucleotide variant.
Coding change: c.3180G>A on transcript NM_178140.4 (MANE Select); coding-DNA position 3180, G replaced by A.
Protein change: p.Thr1060=; no amino-acid change (threonine 1060 retained).
Molecular consequence: synonymous variant.
Genome position (GRCh38, 1-based): chr5:32,074,286, G>A. VCF-style: chr5-32074286-G-A. GRCh37 (hg19) VCF-style: chr5-32074392-G-A.
Identifiers: ClinVar variation 3059334 (VCV003059334.2), dbSNP rs2291114, ClinGen allele CA3219395.

ClinVar aggregate classification (germline): Benign (0 of 4 stars; one submission).

Conditions:
PDZD2-related disorder. Also called: PDZD2-related condition.

Allele frequency attached by ClinVar (database versions not stated): gnomAD exomes 0.16967; ExAC 0.18811; 1000 Genomes Project 0.19489; 1000 Genomes Project 30x 0.19503; TOPMed 0.19717; ESP Exome Variant Server 0.19998; gnomAD 0.20260.

Submission:

PreventionGenetics, part of Exact Sciences
Classification: Benign for PDZD2-related condition. Last evaluated: 2019-10-28. Review status: no assertion criteria provided. Collection method: clinical testing. Allele origin: germline.
Comment: This variant is classified as benign based on ACMG/AMP sequence variant interpretation guidelines (Richards et al. 2015 PMID: 25741868, with internal and published modifications).